The following is an entry in ClinVar:

NM_007294.4(BRCA1):c.1451G>A (p.Gly484Glu)

Gene: BRCA1 (BRCA1 DNA repair associated; minus strand). Cytogenetic location: 17q21.31.
Variant type: single nucleotide variant.
Coding change: c.1451G>A on transcript NM_007294.4 (MANE Select); coding-DNA position 1451, G replaced by A.
Protein change: p.Gly484Glu; replaces glycine 484 with glutamic acid.
Molecular consequence: missense variant. On other transcripts: intron variant (137).
Genome position (GRCh38, 1-based): chr17:43,094,080, C>T on the plus strand (G>A on the coding strand, the complement: BRCA1 is on the minus strand). VCF-style: chr17-43094080-C-T. GRCh37 (hg19) VCF-style: chr17-41246097-C-T.
Other names: c.1238G>A, p.Gly413Glu (NM_001407571.1, NM_001407896.1, NM_001407897.1 and 9 more transcripts); c.1451G>A, p.Gly484Glu (NM_001407581.1, NM_001407582.1, NM_001407583.1 and 30 more transcripts); c.1448G>A, p.Gly483Glu (NM_001407587.1, NM_001407590.1, NM_001407591.1 and 22 more transcripts); c.1442G>A, p.Gly481Glu (NM_001407646.1, NM_001407647.1); c.1328G>A, p.Gly443Glu (NM_001407648.1, NM_001407666.1, NM_001407667.1 and 19 more transcripts); c.1325G>A, p.Gly442Glu (NM_001407649.1, NM_001407670.1, NM_001407671.1 and 11 more transcripts); c.1373G>A, p.Gly458Glu (NM_001407653.1, NM_001407654.1, NM_001407655.1 and 4 more transcripts); c.1310G>A, p.Gly437Glu (NM_001407692.1, NM_001407694.1, NM_001407730.1 and 29 more transcripts); and 40 more; short protein forms G437E, G484E, G316E, G414E, G458E, G188E, G395E, G416E.
Identifiers: ClinVar variation 923908 (VCV000923908.7), dbSNP rs2053936550, ClinGen allele CA10599139.

ClinVar aggregate classification (germline): Conflicting classifications of pathogenicity. Review status: criteria provided, conflicting classifications (1 of 4 stars). 3 submissions from 3 submitters: Uncertain significance (2); Likely benign (1). Last evaluated 2023-09-05.

Conditions:
Hereditary cancer-predisposing syndrome. Also called: Hereditary neoplastic syndrome; Tumor predisposition; Neoplastic Syndromes, Hereditary; Hereditary Cancer Syndrome. Identifiers: Orphanet 140162, MedGen C0027672, MeSH D009386, MONDO:0015356.
Breast-ovarian cancer, familial, susceptibility to, 1 (BROVCA1). Also called: BRCA1 Hereditary Breast and Ovarian Cancer; OVARIAN CANCER, SUSCEPTIBILITY TO. Identifiers: Orphanet 145, MedGen C2676676, MONDO:0011450, OMIM 604370. Disease mechanism: loss of function.

Submissions (3):

All of Us Research Program, National Institutes of Health
Classification: Uncertain significance for Breast-ovarian cancer, familial, susceptibility to, 1. Last evaluated: 2023-09-05. Review status: criteria provided, single submitter. Criteria: ACMG Guidelines, 2015. Collection method: clinical testing. Allele origin: germline. Inheritance: Autosomal dominant inheritance. Observed: 1 variant allele, 1 heterozygote.
Comment: This missense variant replaces glycine with glutamic acid at codon 484 of the BRCA1 protein. Computational prediction is inconclusive regarding the impact of this variant on protein structure and function (internally defined REVEL score threshold 0.5 < inconclusive < 0.7, PMID: 27666373). Splice site prediction tools suggest that this variant may not impact RNA splicing. To our knowledge, functional studies have not been performed for this variant. This variant has not been reported in individuals affected with hereditary cancer in the literature. This variant has not been identified in the general population by the Genome Aggregation Database (gnomAD). The available evidence is insufficient to determine the role of this variant in disease conclusively. Therefore, this variant is classified as a Variant of Uncertain Significance.

This study involves interpretation of variants in research participants for the purpose of population health screening. Participant phenotype was not available at the time of variant classification. Additional details can be found in publication PMID: 35346344, PMCID: PMC8962531

University of Washington Department of Laboratory Medicine, University of Washington
Classification: Likely benign for Hereditary cancer-predisposing syndrome. Last evaluated: 2023-03-23. Review status: criteria provided, single submitter. Criteria: Dines et al. (Genet Med. 2020). Collection method: curation. Allele origin: germline.
Comment: Missense variant in a coldspot region where missense variants are very unlikely to be pathogenic (PMID:31911673).

BRCA1 coldspot (exon 11 using historical exon numbering). Reclassification based on statistical prior probability

Color Diagnostics, LLC DBA Color Health
Classification: Uncertain significance for Hereditary cancer-predisposing syndrome. Last evaluated: 2019-12-10. Review status: criteria provided, single submitter. Criteria: ACMG Guidelines, 2015. Collection method: clinical testing. Allele origin: germline.
Comment: This missense variant replaces glycine with glutamic acid at codon 484 of the BRCA1 protein. Computational prediction is inconclusive regarding the impact of this variant on protein structure and function (internally defined REVEL score threshold 0.5 < inconclusive < 0.7, PMID: 27666373). Splice site prediction tools suggest that this variant may not impact RNA splicing. To our knowledge, functional studies have not been performed for this variant. This variant has not been reported in individuals affected with hereditary cancer in the literature. This variant has not been identified in the general population by the Genome Aggregation Database (gnomAD). The available evidence is insufficient to determine the role of this variant in disease conclusively. Therefore, this variant is classified as a Variant of Uncertain Significance.